The following is an entry in ClinVar:

ClinVar aggregate classification (germline): Uncertain significance (1 of 4 stars; one submission).

Conditions:
Joubert syndrome. Also called: JOUBERT-BOLTSHAUSER SYNDROME; Familial aplasia of the vermis. Identifiers: Orphanet 475, MedGen C5979921, MONDO:0018772.
Meckel-Gruber syndrome. Also called: DYSENCEPHALIA SPLANCHNOCYSTICA; GRUBER SYNDROME; Dysencephalia splachnocystica. Identifiers: Orphanet 564, MedGen C0265215, MONDO:0018921.

gnomAD v4.1: 1 of 1,613,064 alleles (0.000062%); highest among the groups gnomAD compares: Non-Finnish European, 0.000085%; no homozygotes.

Submission:

Labcorp Genetics (formerly Invitae), Labcorp
Classification: Uncertain significance for Joubert syndrome; Meckel-Gruber syndrome. Last evaluated: 2022-02-22. Review status: criteria provided, single submitter. Criteria: Invitae Variant Classification Sherloc (09022015). Collection method: clinical testing. Allele origin: germline.
Comment: This sequence change replaces valine, which is neutral and non-polar, with glutamic acid, which is acidic and polar, at codon 587 of the CC2D2A protein (p.Val587Glu). This variant is not present in population databases (gnomAD no frequency). This variant has not been reported in the literature in individuals affected with CC2D2A-related conditions. Advanced modeling of protein sequence and biophysical properties (such as structural, functional, and spatial information, amino acid conservation, physicochemical variation, residue mobility, and thermodynamic stability) performed at Invitae indicates that this missense variant is not expected to disrupt CC2D2A protein function. In summary, the available evidence is currently insufficient to determine the role of this variant in disease. Therefore, it has been classified as a Variant of Uncertain Significance.

NM_001378615.1(CC2D2A):c.1760T>A (p.Val587Glu)

Genes: CC2D2A (coiled-coil and C2 domain containing 2A; plus strand), FBXL5 (F-box and leucine rich repeat protein 5; minus strand). Cytogenetic location: 4p15.32.
Variant type: single nucleotide variant.
Coding change: c.1760T>A on transcript NM_001378615.1 (MANE Select); coding-DNA position 1760, T replaced by A.
Protein change: p.Val587Glu; replaces valine 587 with glutamic acid.
Molecular consequence: missense variant.
Genome position (GRCh38, 1-based): chr4:15,537,072, T>A. VCF-style: chr4-15537072-T-A. GRCh37 (hg19) VCF-style: chr4-15538695-T-A.
Other names: c.1760T>A, p.Val587Glu (NM_001080522.2); c.1613T>A, p.Val538Glu (NM_001378617.1); short protein forms V587E, V538E.
Identifiers: ClinVar variation 2101961 (VCV002101961.4), dbSNP rs753143836, ClinGen allele CA356411506.